The following is an entry in ClinVar:

ClinVar aggregate classification (germline): Uncertain significance. Review status: criteria provided, single submitter (1 of 4 stars). 2 submissions from 2 submitters: Uncertain significance (1). 1 of the submissions does not count toward it. Last evaluated 2025-09-02.

Conditions:
Retinitis pigmentosa 59 (RP59). Identifiers: Orphanet 791, MedGen C3151227, MONDO:0013468, OMIM 613861.

Allele frequency attached by ClinVar (database versions not stated): gnomAD 0.00001; gnomAD exomes 0.00001; TOPMed 0.00001.
gnomAD v4.1: 7 of 1,614,050 alleles (0.00043%); highest among the groups gnomAD compares: East Asian, 0.0045%; no homozygotes.

Submissions (2):

Labcorp Genetics (formerly Invitae), Labcorp
Classification: Uncertain significance for Retinitis pigmentosa 59. Last evaluated: 2025-09-02. Review status: criteria provided, single submitter. Criteria: Invitae Variant Classification Sherloc (09022015). Collection method: clinical testing. Allele origin: germline.
Comment: This sequence change replaces asparagine, which is neutral and polar, with serine, which is neutral and polar, at codon 164 of the DHDDS protein (p.Asn164Ser). This variant is present in population databases (no rsID available, gnomAD 0.008%). This variant has not been reported in the literature in individuals affected with DHDDS-related conditions. ClinVar contains an entry for this variant (Variation ID: 941487). Invitae Evidence Modeling of protein sequence and biophysical properties (such as structural, functional, and spatial information, amino acid conservation, physicochemical variation, residue mobility, and thermodynamic stability) indicates that this missense variant is not expected to disrupt DHDDS protein function with a negative predictive value of 80%. In summary, the available evidence is currently insufficient to determine the role of this variant in disease. Therefore, it has been classified as a Variant of Uncertain Significance.

Natera, Inc.
Classification: Uncertain significance for Retinitis pigmentosa type 59. Last evaluated: 2020-11-29. Review status: no assertion criteria provided. Collection method: clinical testing. Allele origin: germline. Not counted in ClinVar's aggregate classification.

NM_205861.3(DHDDS):c.491A>G (p.Asn164Ser)

Gene: DHDDS (dehydrodolichyl diphosphate synthase subunit; plus strand). Cytogenetic location: 1p36.11.
Variant type: single nucleotide variant.
Coding change: c.491A>G on transcript NM_205861.3 (MANE Select); coding-DNA position 491, A replaced by G.
Protein change: p.Asn164Ser; replaces asparagine 164 with serine.
Molecular consequence: missense variant. On other transcripts: intron variant (1).
Genome position (GRCh38, 1-based): chr1:26,447,609, A>G. VCF-style: chr1-26447609-A-G. GRCh37 (hg19) VCF-style: chr1-26774100-A-G.
Other names: c.212A>G, p.Asn71Ser (NM_001319959.2); c.491A>G, p.Asn164Ser (NM_024887.4); c.440+1177A>G (NM_001243564.2); c.374A>G, p.Asn125Ser (NM_001243565.2); short protein forms N125S, N164S, N71S.
Identifiers: ClinVar variation 941487 (VCV000941487.9), dbSNP rs1429544868, ClinGen allele CA339143293.